The following is an entry in ClinVar:

NM_000391.4(TPP1):c.509-2A>G

Gene: TPP1 (tripeptidyl peptidase 1; minus strand). Cytogenetic location: 11p15.4.
Variant type: single nucleotide variant.
Coding change: c.509-2A>G on transcript NM_000391.4 (MANE Select); the canonical splice acceptor site of the intron before coding-DNA position 509, A replaced by G.
Molecular consequence: splice acceptor variant.
Genome position (GRCh38, 1-based): chr11:6,617,155, T>C on the plus strand (A>G on the coding strand, the complement: TPP1 is on the minus strand). VCF-style: chr11-6617155-T-C. GRCh37 (hg19) VCF-style: chr11-6638386-T-C.
Identifiers: ClinVar variation 1076930 (VCV001076930.11), dbSNP rs1855599946, ClinGen allele CA379475658.

ClinVar aggregate classification (germline): Pathogenic (1 of 4 stars; one submission).

Submission:

Labcorp Genetics (formerly Invitae), Labcorp
Classification: Pathogenic. Last evaluated: 2022-02-04. Review status: criteria provided, single submitter. Criteria: Invitae Variant Classification Sherloc (09022015). Collection method: clinical testing. Allele origin: germline.
Comment: Algorithms developed to predict the effect of sequence changes on RNA splicing suggest that this variant may disrupt the consensus splice site. This sequence change affects an acceptor splice site in intron 5 of the TPP1 gene. It is expected to disrupt RNA splicing. Variants that disrupt the donor or acceptor splice site typically lead to a loss of protein function (PMID: 16199547), and loss-of-function variants in TPP1 are known to be pathogenic (PMID: 10330339). This variant is not present in population databases (gnomAD no frequency). Disruption of this splice site has been observed in individual(s) with neuronal ceroid lipofuscinosis (PMID: 10330339, 10356316, 22832778). ClinVar contains an entry for this variant (Variation ID: 1076930). For these reasons, this variant has been classified as Pathogenic.

Literature cited by the submitters: PubMed 16199547; PubMed 10330339; PubMed 10356316; PubMed 22832778.